The following is an entry in ClinVar:

ClinVar aggregate classification (germline): Uncertain significance (1 of 4 stars; one submission).

Conditions:
Ataxia-telangiectasia syndrome (AT). Also called: Ataxia-telangiectasia, complementation group E; Cerebello-oculocutaneous telangiectasia; Immunodeficiency with ataxia telangiectasia; ATAXIA-TELANGIECTASIA, COMPLEMENTATION GROUP A; ATAXIA-TELANGIECTASIA, FRESNO VARIANT; Ataxia-telangiectasia, complementation group D. Identifiers: Orphanet 100, MedGen C0004135, MONDO:0008840, OMIM 208900.

Submission:

Labcorp Genetics (formerly Invitae), Labcorp
Classification: Uncertain significance for Ataxia-telangiectasia syndrome. Last evaluated: 2022-05-12. Review status: criteria provided, single submitter. Criteria: Invitae Variant Classification Sherloc (09022015). Collection method: clinical testing. Allele origin: germline.
Comment: This variant, c.2064_2072del, results in the deletion of 3 amino acid(s) of the ATM protein (p.Glu688_Leu690del), but otherwise preserves the integrity of the reading frame. This variant is not present in population databases (gnomAD no frequency). This variant has not been reported in the literature in individuals affected with ATM-related conditions. Experimental studies and prediction algorithms are not available or were not evaluated, and the functional significance of this variant is currently unknown. In summary, the available evidence is currently insufficient to determine the role of this variant in disease. Therefore, it has been classified as a Variant of Uncertain Significance.

NM_000051.4(ATM):c.2064_2072del (p.Glu688_Leu690del)

Gene: ATM (ATM serine/threonine kinase; plus strand). Cytogenetic location: 11q22.3.
Variant type: Deletion.
Coding change: c.2064_2072del on transcript NM_000051.4 (MANE Select); coding-DNA positions 2064 to 2072, 9 bases deleted (ATCACTGGA; older notation c.2064_2072delATCACTGGA).
Protein change: p.Glu688_Leu690del.
Molecular consequence: inframe deletion.
Genome position (GRCh38, 1-based): chr11:108,253,979-108,253,987, ATCACTGGA deleted; deleting any 9 consecutive bases within chr11:108,253,976-108,253,987 gives the same sequence; the c. name uses the placement nearest the transcript's 3' end. VCF-style (leftmost placement, unchanged base first): chr11-108253975-AGGAATCACT-A. GRCh37 (hg19) VCF-style: chr11-108124702-AGGAATCACT-A.
Other names: c.2064_2072del, p.Glu688_Leu690del (NM_001351834.2).
Identifiers: ClinVar variation 1524368 (VCV001524368.8), dbSNP rs2135370232, ClinGen allele CA2573146780.